The following is an entry in ClinVar:

NM_022835.3(PLEKHG2):c.1401T>G (p.Ala467=)

Gene: PLEKHG2 (pleckstrin homology and RhoGEF domain containing G2; plus strand). Cytogenetic location: 19q13.2.
Variant type: single nucleotide variant.
Coding change: c.1401T>G on transcript NM_022835.3 (MANE Select); coding-DNA position 1401, T replaced by G.
Protein change: p.Ala467=; no amino-acid change (alanine 467 retained).
Molecular consequence: synonymous variant.
Genome position (GRCh38, 1-based): chr19:39,420,950, T>G. VCF-style: chr19-39420950-T-G. GRCh37 (hg19) VCF-style: chr19-39911590-T-G.
Other names: c.1224T>G, p.Ala408= (NM_001351693.2); c.1401T>G, p.Ala467= (NM_001351694.2).
Identifiers: ClinVar variation 1711483 (VCV001711483.30), dbSNP rs1489323288, ClinGen allele CA507429876.

ClinVar aggregate classification (germline): Likely benign (1 of 4 stars; one submission).

Allele frequency attached by ClinVar (database versions not stated): gnomAD 0.00001; gnomAD exomes 0.00001; TOPMed 0.00002.

Submission:

CeGaT Center for Human Genetics Tuebingen
Classification: Likely benign. Last evaluated: 2022-08-01. Review status: criteria provided, single submitter. Criteria: CeGaT Center For Human Genetics Tuebingen Variant Classification Criteria Version 2. Collection method: clinical testing. Allele origin: germline. Affected: yes. Observed: 1 variant allele.
Comment: PLEKHG2: BP4, BP7